The following is an entry in ClinVar:

NM_000238.4(KCNH2):c.3331-10T>C

Gene: KCNH2 (potassium voltage-gated channel subfamily H member 2; minus strand). Cytogenetic location: 7q36.1.
Variant type: single nucleotide variant.
Coding change: c.3331-10T>C on transcript NM_000238.4 (MANE Select); 10 bases into the intron before coding-DNA position 3331, T replaced by C.
Molecular consequence: intron variant.
Genome position (GRCh38, 1-based): chr7:150,945,524, A>G on the plus strand (T>C on the coding strand, the complement: KCNH2 is on the minus strand). VCF-style: chr7-150945524-A-G. GRCh37 (hg19) VCF-style: chr7-150642612-A-G.
Other names: c.3043-10T>C (NM_001406753.1); c.2311-10T>C (NM_172057.3).
Identifiers: ClinVar variation 2995657 (VCV002995657.3), dbSNP rs2485995457, ClinGen allele CA2685600161.
Genomic context (GRCh38, chr7:150,945,524, plus strand): 5'-AAGCTCTGGGGCCCCCGGGGGCAGCTCCTCACACGCCATGAACTGGGAAACCTGCAATAC[A>G]CACAGAGCATGGGCAGGCGAAGAGGCCATGGAGGAGGAGGAAGGGGAGGGAAAGGGGCAG-3'

ClinVar aggregate classification (germline): Uncertain significance (1 of 4 stars; one submission).

Conditions:
Long QT syndrome (LQTS). Identifiers: MedGen C0023976, MeSH D008133, MONDO:0002442. Disease mechanism: loss of function. Inheritance: Various modes of inheritance.

Allele frequency attached by ClinVar (database versions not stated): gnomAD exomes 0.00001.
gnomAD v4.1: 3 of 1,552,792 alleles (0.00019%); highest among the groups gnomAD compares: Non-Finnish European, 0.00017%; no homozygotes.

Submission:

Labcorp Genetics (formerly Invitae), Labcorp
Classification: Uncertain significance for Long QT syndrome. Last evaluated: 2025-06-07. Review status: criteria provided, single submitter. Criteria: Invitae Variant Classification Sherloc (09022015). Collection method: clinical testing. Allele origin: germline.
Comment: This sequence change falls in intron 14 of the KCNH2 gene. It does not directly change the encoded amino acid sequence of the KCNH2 protein. This variant is not present in population databases (gnomAD no frequency). This variant has not been reported in the literature in individuals affected with KCNH2-related conditions. ClinVar contains an entry for this variant (Variation ID: 2995657). Algorithms developed to predict the effect of sequence changes on RNA splicing suggest that this variant may disrupt the consensus splice site. In summary, the available evidence is currently insufficient to determine the role of this variant in disease. Therefore, it has been classified as a Variant of Uncertain Significance.